The following is an entry in ClinVar:

NM_198576.4(AGRN):c.838C>T (p.Pro280Ser)

Gene: AGRN (agrin; plus strand). Cytogenetic location: 1p36.33.
Variant type: single nucleotide variant.
Coding change: c.838C>T on transcript NM_198576.4 (MANE Select); coding-DNA position 838, C replaced by T.
Protein change: p.Pro280Ser; replaces proline 280 with serine.
Molecular consequence: missense variant.
Genome position (GRCh38, 1-based): chr1:1,041,283, C>T. VCF-style: chr1-1041283-C-T. GRCh37 (hg19) VCF-style: chr1-976663-C-T.
Other names: c.838C>T, p.Pro280Ser (NM_001305275.2); c.523C>T, p.Pro175Ser (NM_001364727.2); c.838C>T (NM_198576.3); short protein forms P175S, P280S.
Identifiers: ClinVar variation 1015746 (VCV001015746.10), dbSNP rs772190345, ClinGen allele CA507927.
Genomic context (GRCh38, chr1:1,041,283, plus strand): 5'-GCGCGCTCGGCCGACGGGCTGACGGCCTCGTGCCTGTGCCCCGCGACCTGCCGTGGCGCC[C>T]CCGAGGGGACCGTCTGCGGCAGCGACGGCGCCGACTACCCCGGCGAGTGCCAGCTCCTGC-3'
Protein context (NP_940978.2, residues 270-290): CLCPATCRGA[Pro280Ser]EGTVCGSDGA

ClinVar aggregate classification (germline): Uncertain significance. Review status: criteria provided, multiple submitters, no conflicts (2 of 4 stars). 3 submissions from 3 submitters: Uncertain significance (3). Last evaluated 2025-10-21.

Conditions:
Inborn genetic diseases. Identifiers: MedGen C0950123, MeSH D030342.
Congenital myasthenic syndrome 8. Also called: Myasthenic syndrome, congenital, 8, with pre- and postsynaptic defects; MYASTHENIC SYNDROME, CONGENITAL, DUE TO AGRIN DEFICIENCY. Identifiers: Orphanet 590, MedGen C3808739, MONDO:0014052, OMIM 615120.

Allele frequency attached by ClinVar (database versions not stated): ExAC below 0.00001; TOPMed below 0.00001; gnomAD 0.00001; gnomAD exomes 0.00001 and 0.00002.

Submissions (3):

Ambry Genetics
Classification: Uncertain significance for Inborn genetic diseases. Last evaluated: 2025-10-21. Review status: criteria provided, single submitter. Criteria: Ambry Variant Classification Scheme 2023. Collection method: clinical testing. Allele origin: germline.

Labcorp Genetics (formerly Invitae), Labcorp
Classification: Uncertain significance for Congenital myasthenic syndrome 8. Last evaluated: 2025-06-30. Review status: criteria provided, single submitter. Criteria: Invitae Variant Classification Sherloc (09022015). Collection method: clinical testing. Allele origin: germline.
Comment: This sequence change replaces proline, which is neutral and non-polar, with serine, which is neutral and polar, at codon 280 of the AGRN protein (p.Pro280Ser). This variant is present in population databases (rs772190345, gnomAD 0.004%). This variant has not been reported in the literature in individuals affected with AGRN-related conditions. ClinVar contains an entry for this variant (Variation ID: 1015746). An algorithm developed to predict the effect of missense changes on protein structure and function outputs the following: PolyPhen-2: "Possibly Damaging". The serine amino acid residue is found in multiple mammalian species, which suggests that this missense change does not adversely affect protein function. In summary, the available evidence is currently insufficient to determine the role of this variant in disease. Therefore, it has been classified as a Variant of Uncertain Significance.

GeneDx
Classification: Uncertain significance. Last evaluated: 2025-06-19. Review status: criteria provided, single submitter. Criteria: GeneDx Variant Classification Process June 2021. Collection method: clinical testing. Allele origin: germline. Affected: yes.
Comment: Not observed at significant frequency in large population cohorts (gnomAD); In silico analysis suggests that this missense variant does not alter protein structure/function; Has not been previously published as pathogenic or benign to our knowledge